The following is an entry in ClinVar:

ClinVar aggregate classification (germline): Uncertain significance (1 of 4 stars; one submission).

gnomAD v4.1: 2 of 1,613,656 alleles (0.00012%); highest among the groups gnomAD compares: Non-Finnish European, 0.00017%; no homozygotes.

Submission:

CeGaT Center for Human Genetics Tuebingen
Classification: Uncertain significance. Last evaluated: 2025-06-01. Review status: criteria provided, single submitter. Criteria: CeGaT Center For Human Genetics Tuebingen Variant Classification Criteria Version 2. Collection method: clinical testing. Allele origin: germline. Affected: yes. Observed: 1 variant allele.
Comment: CREBBP: PP2

NM_004380.3(CREBBP):c.6833G>T (p.Gly2278Val)

Gene: CREBBP (CREB binding lysine acetyltransferase; minus strand). Cytogenetic location: 16p13.3.
Variant type: single nucleotide variant.
Coding change: c.6833G>T on transcript NM_004380.3 (MANE Select); coding-DNA position 6833, G replaced by T.
Protein change: p.Gly2278Val; replaces glycine 2278 with valine.
Molecular consequence: missense variant.
Genome position (GRCh38, 1-based): chr16:3,728,214, C>A on the plus strand (G>T on the coding strand, the complement: CREBBP is on the minus strand). VCF-style: chr16-3728214-C-A. GRCh37 (hg19) VCF-style: chr16-3778215-C-A.
Other names: c.6719G>T, p.Gly2240Val (NM_001079846.1); short protein forms G2240V, G2278V.
Identifiers: ClinVar variation 4085285 (VCV004085285.8).